The following is an entry in ClinVar:

ClinVar aggregate classification (germline): Likely benign. Review status: criteria provided, single submitter (1 of 4 stars). 2 submissions from 2 submitters: Likely benign (1). 1 of the submissions does not count toward it. Last evaluated 2026-09-01.

Conditions:
TNRC6B-related disorder. Also called: TNRC6B-related condition.

Allele frequency attached by ClinVar (database versions not stated): gnomAD exomes 0.00024; ExAC 0.00033; ESP Exome Variant Server 0.00033; gnomAD 0.00049; 1000 Genomes Project 0.00080; TOPMed 0.00091; 1000 Genomes Project 30x 0.00094.
gnomAD v4.1: 432 of 1,614,016 alleles (0.027%); highest among the groups gnomAD compares: Admixed American, 0.13%; no homozygotes.

Submissions (2):

CeGaT Center for Human Genetics Tuebingen
Classification: Likely benign. Last evaluated: 2026-09-01. Review status: criteria provided, single submitter. Criteria: CeGaT Center For Human Genetics Tuebingen Variant Classification Criteria Version 2. Collection method: clinical testing. Allele origin: germline. Affected: yes. Observed: 1 variant allele.
Comment: TNRC6B: BP4, BP7

PreventionGenetics, part of Exact Sciences
Classification: Likely benign for TNRC6B-related condition. Last evaluated: 2019-04-01. Review status: no assertion criteria provided. Collection method: clinical testing. Allele origin: germline. Not counted in ClinVar's aggregate classification.
Comment: This variant is classified as likely benign based on ACMG/AMP sequence variant interpretation guidelines (Richards et al. 2015 PMID: 25741868, with internal and published modifications).

NM_001162501.2(TNRC6B):c.807A>G (p.Gln269=)

Gene: TNRC6B (trinucleotide repeat containing adaptor 6B; plus strand). Cytogenetic location: 22q13.1.
Variant type: single nucleotide variant.
Coding change: c.807A>G on transcript NM_001162501.2 (MANE Select); coding-DNA position 807, A replaced by G.
Protein change: p.Gln269=; no amino-acid change (glutamine 269 retained).
Molecular consequence: synonymous variant. On other transcripts: intron variant (1).
Genome position (GRCh38, 1-based): chr22:40,265,037, A>G. VCF-style: chr22-40265037-A-G. GRCh37 (hg19) VCF-style: chr22-40661041-A-G.
Other names: c.807A>G, p.Gln269= (NM_015088.3); c.565+2864A>G (NM_001024843.2).
Identifiers: ClinVar variation 3040730 (VCV003040730.3), dbSNP rs186669938, ClinGen allele CA10246580.